The following is an entry in ClinVar:

ClinVar aggregate classification (germline): Pathogenic (1 of 4 stars; one submission).

Conditions:
Congenital myasthenic syndrome 2A. Also called: Myasthenic syndrome, congenital, 2a, slow-channel. Identifiers: Orphanet 590, MedGen C4225374, MONDO:0014581, OMIM 616313.

Submission:

Labcorp Genetics (formerly Invitae), Labcorp
Classification: Pathogenic for Congenital myasthenic syndrome 2A. Last evaluated: 2019-11-22. Review status: criteria provided, single submitter. Criteria: Invitae Variant Classification Sherloc (09022015). Collection method: clinical testing. Allele origin: germline.
Comment: This variant disrupts the p.Val289 amino acid residue in CHRNB1. Other variant(s) that disrupt this residue have been determined to be pathogenic (PMID: 8872460, 27391121, 20562457). This suggests that this residue is clinically significant, and that variants that disrupt this residue are likely to be disease-causing. This variant has been reported to affect CHRNB1 protein function (PMID: 27375219). This variant has been observed in individual(s) with autosomal dominant slow-channel congenital myasthenic syndrome (PMID: 27375219). In at least one individual the variant was observed to be de novo. This variant is also known as V266A in the literature. This variant is not present in population databases (ExAC no frequency). This sequence change replaces valine with alanine at codon 289 of the CHRNB1 protein (p.Val289Ala). The valine residue is highly conserved and there is a small physicochemical difference between valine and alanine. For these reasons, this variant has been classified as Pathogenic.

Literature cited by the submitters: PubMed 8872460; PubMed 27391121; PubMed 20562457; PubMed 27375219.

NM_000747.3(CHRNB1):c.866T>C (p.Val289Ala)

Gene: CHRNB1 (cholinergic receptor nicotinic beta 1 subunit; plus strand). Cytogenetic location: 17p13.1.
Variant type: single nucleotide variant.
Coding change: c.866T>C on transcript NM_000747.3 (MANE Select); coding-DNA position 866, T replaced by C.
Protein change: p.Val289Ala; replaces valine 289 with alanine.
Molecular consequence: missense variant.
Genome position (GRCh38, 1-based): chr17:7,454,342, T>C. VCF-style: chr17-7454342-T-C. GRCh37 (hg19) VCF-style: chr17-7357661-T-C.
Other names: short protein forms V289A.
Identifiers: ClinVar variation 860460 (VCV000860460.9), dbSNP rs1908994498, ClinGen allele CA397797357.